The following is an entry in ClinVar:

NM_173689.7(CRB2):c.445G>C (p.Glu149Gln)

Gene: CRB2 (crumbs cell polarity complex component 2; plus strand). Cytogenetic location: 9q33.3.
Variant type: single nucleotide variant.
Coding change: c.445G>C on transcript NM_173689.7 (MANE Select); coding-DNA position 445, G replaced by C.
Protein change: p.Glu149Gln; replaces glutamic acid 149 with glutamine.
Molecular consequence: missense variant.
Genome position (GRCh38, 1-based): chr9:123,365,943, G>C. VCF-style: chr9-123365943-G-C. GRCh37 (hg19) VCF-style: chr9-126128222-G-C.
Other names: short protein forms E149Q.
Identifiers: ClinVar variation 3702224 (VCV003702224.2).

ClinVar aggregate classification (germline): Uncertain significance (1 of 4 stars; one submission).

gnomAD v4.1: 1 of 1,596,380 alleles (0.000063%); highest among the groups gnomAD compares: Non-Finnish European, 0.000085%; no homozygotes.

Submission:

Labcorp Genetics (formerly Invitae), Labcorp
Classification: Uncertain significance. Last evaluated: 2025-02-10. Review status: criteria provided, single submitter. Criteria: Invitae Variant Classification Sherloc (09022015). Collection method: clinical testing. Allele origin: germline.
Comment: This sequence change replaces glutamic acid, which is acidic and polar, with glutamine, which is neutral and polar, at codon 149 of the CRB2 protein (p.Glu149Gln). This variant is not present in population databases (gnomAD no frequency). This variant has not been reported in the literature in individuals affected with CRB2-related conditions. Invitae Evidence Modeling of protein sequence and biophysical properties (such as structural, functional, and spatial information, amino acid conservation, physicochemical variation, residue mobility, and thermodynamic stability) indicates that this missense variant is expected to disrupt CRB2 protein function with a positive predictive value of 80%. In summary, the available evidence is currently insufficient to determine the role of this variant in disease. Therefore, it has been classified as a Variant of Uncertain Significance.